The following is an entry in ClinVar:

NM_002860.4(ALDH18A1):c.251G>C (p.Arg84Pro)

Gene: ALDH18A1 (aldehyde dehydrogenase 18 family member A1; minus strand). Cytogenetic location: 10q24.1.
Variant type: single nucleotide variant.
Coding change: c.251G>C on transcript NM_002860.4 (MANE Select); coding-DNA position 251, G replaced by C.
Protein change: p.Arg84Pro; replaces arginine 84 with proline.
Molecular consequence: missense variant. On other transcripts: intron variant (4).
Genome position (GRCh38, 1-based): chr10:95,643,044, C>G on the plus strand (G>C on the coding strand, the complement: ALDH18A1 is on the minus strand). VCF-style: chr10-95643044-C-G. GRCh37 (hg19) VCF-style: chr10-97402801-C-G.
Other names: c.251G>C, p.Arg84Pro (NM_001017423.2, NM_001323413.2, NM_001323414.2 and 2 more transcripts); c.-78-9395G>C (NM_001323419.2); c.-30-5608G>C (NM_001323412.2, NM_001323418.2, NM_001323416.2); short protein forms R84P.
Identifiers: ClinVar variation 2922432 (VCV002922432.3), dbSNP rs121434582, ClinGen allele CA377707705.

ClinVar aggregate classification (germline): Uncertain significance (1 of 4 stars; one submission).

Conditions:
Cutis laxa, autosomal dominant 3 (ADCL3). Identifiers: Orphanet 90348, MedGen C4225268, MONDO:0014706, OMIM 616603.
Autosomal dominant spastic paraplegia type 9. Identifiers: MedGen C1832669, MONDO:0015091.
de Barsy syndrome. Also called: Cutis laxa-corneal clouding-oligophrenia syndrome. Identifiers: Orphanet 2962, MedGen C0268354, MONDO:0017569.

Submission:

Labcorp Genetics (formerly Invitae), Labcorp
Classification: Uncertain significance for Autosomal dominant spastic paraplegia type 9; de Barsy syndrome; Cutis laxa, autosomal dominant 3. Last evaluated: 2024-01-25. Review status: criteria provided, single submitter. Criteria: Invitae Variant Classification Sherloc (09022015). Collection method: clinical testing. Allele origin: germline.
Comment: This sequence change replaces arginine, which is basic and polar, with proline, which is neutral and non-polar, at codon 84 of the ALDH18A1 protein (p.Arg84Pro). This variant is not present in population databases (gnomAD no frequency). This variant has not been reported in the literature in individuals affected with ALDH18A1-related conditions. Advanced modeling of protein sequence and biophysical properties (such as structural, functional, and spatial information, amino acid conservation, physicochemical variation, residue mobility, and thermodynamic stability) performed at Invitae indicates that this missense variant is expected to disrupt ALDH18A1 protein function with a positive predictive value of 80%. This variant disrupts the p.Arg84 amino acid residue in ALDH18A1. Other variant(s) that disrupt this residue have been determined to be pathogenic (PMID: 11092761, 27023906). This suggests that this residue is clinically significant, and that variants that disrupt this residue are likely to be disease-causing. In summary, the available evidence is currently insufficient to determine the role of this variant in disease. Therefore, it has been classified as a Variant of Uncertain Significance.

Literature cited by the submitters: PubMed 11092761; PubMed 27023906.